The following is an entry in ClinVar:

ClinVar aggregate classification (germline): Uncertain significance. Review status: criteria provided, multiple submitters, no conflicts (2 of 4 stars). 2 submissions from 2 submitters: Uncertain significance (2). Last evaluated 2024-05-07.

Conditions:
Cardiovascular phenotype. Identifiers: MedGen CN230736.
Hereditary cancer-predisposing syndrome. Also called: Neoplastic Syndromes, Hereditary; Hereditary neoplastic syndrome; Hereditary Cancer Syndrome; Tumor predisposition. Identifiers: Orphanet 140162, MedGen C0027672, MeSH D009386, MONDO:0015356.
Neurofibromatosis, type 1 (NF1). Also called: VON RECKLINGHAUSEN DISEASE; NEUROFIBROMATOSIS, TYPE I, SOMATIC; Peripheral type neurofibromatosis; Neurofibromatosis, type I. Identifiers: Orphanet 636, MedGen C0027831, MONDO:0018975, OMIM 162200. Disease mechanism: loss of function.

Allele frequency attached by ClinVar (database versions not stated): gnomAD exomes below 0.00001; gnomAD 0.00001.
gnomAD v4.1: 2 of 1,614,038 alleles (0.00012%); highest among the groups gnomAD compares: East Asian, 0.0022%; no homozygotes.

Submissions (2):

Labcorp Genetics (formerly Invitae), Labcorp
Classification: Uncertain significance for Neurofibromatosis, type 1. Last evaluated: 2024-05-07. Review status: criteria provided, single submitter. Criteria: Invitae Variant Classification Sherloc (09022015). Collection method: clinical testing. Allele origin: germline.
Comment: This sequence change replaces tyrosine, which is neutral and polar, with cysteine, which is neutral and slightly polar, at codon 1613 of the NF1 protein (p.Tyr1613Cys). This variant is not present in population databases (gnomAD no frequency). This missense change has been observed in individual(s) with breast cancer (PMID: 30287823). ClinVar contains an entry for this variant (Variation ID: 655453). Advanced modeling of protein sequence and biophysical properties (such as structural, functional, and spatial information, amino acid conservation, physicochemical variation, residue mobility, and thermodynamic stability) performed at Invitae indicates that this missense variant is expected to disrupt NF1 protein function with a positive predictive value of 95%. In summary, the available evidence is currently insufficient to determine the role of this variant in disease. Therefore, it has been classified as a Variant of Uncertain Significance.

Ambry Genetics
Classification: Uncertain significance for Cardiovascular phenotype; Hereditary cancer-predisposing syndrome. Last evaluated: 2023-04-14. Review status: criteria provided, single submitter. Criteria: Ambry Variant Classification Scheme 2023. Collection method: clinical testing. Allele origin: germline.
Comment: The p.Y1613C variant (also known as c.4838A>G), located in coding exon 36 of the NF1 gene, results from an A to G substitution at nucleotide position 4838. The tyrosine at codon 1613 is replaced by cysteine, an amino acid with highly dissimilar properties. This alteration was observed with an allele frequency of 0.00014 in 7,051 unselected female breast cancer patients and was not observed in 11,241 female controls, 53 unselected male breast cancer patients or 12,490 male controls of Japanese ancestry (Momozawa Y et al. Nat Commun, 2018 Oct;9:4083). This amino acid position is highly conserved in available vertebrate species. In addition, this alteration is predicted to be deleterious by in silico analysis. Since supporting evidence is limited at this time, the clinical significance of this alteration remains unclear.

Literature cited by the submitters: PubMed 30287823 (cited by Labcorp Genetics (formerly Invitae), Labcorp).

NM_001042492.3(NF1):c.4901A>G (p.Tyr1634Cys)

Gene: NF1 (neurofibromin 1; plus strand). Cytogenetic location: 17q11.2.
Variant type: single nucleotide variant.
Coding change: c.4901A>G on transcript NM_001042492.3 (MANE Select); coding-DNA position 4901, A replaced by G.
Protein change: p.Tyr1634Cys; replaces tyrosine 1634 with cysteine.
Molecular consequence: missense variant.
Genome position (GRCh38, 1-based): chr17:31,325,885, A>G. VCF-style: chr17-31325885-A-G. GRCh37 (hg19) VCF-style: chr17-29652903-A-G.
Other names: c.4838A>G, p.Tyr1613Cys (NM_000267.4); short protein forms Y1634C, Y1613C.
Identifiers: ClinVar variation 655453 (VCV000655453.8), dbSNP rs1597829621, ClinGen allele CA399007066.